The following is an entry in ClinVar:

NM_001134407.3(GRIN2A):c.3745G>A (p.Asp1249Asn)

Gene: GRIN2A (glutamate ionotropic receptor NMDA type subunit 2A; minus strand). Cytogenetic location: 16p13.2.
Variant type: single nucleotide variant.
Coding change: c.3745G>A on transcript NM_001134407.3 (MANE Select); coding-DNA position 3745, G replaced by A.
Protein change: p.Asp1249Asn; replaces aspartic acid 1249 with asparagine.
Molecular consequence: missense variant.
Genome position (GRCh38, 1-based): chr16:9,763,799, C>T on the plus strand (G>A on the coding strand, the complement: GRIN2A is on the minus strand). VCF-style: chr16-9763799-C-T. GRCh37 (hg19) VCF-style: chr16-9857656-C-T.
Other names: p.D1249N:GAT>AAT; c.3745G>A, p.Asp1249Asn (NM_000833.5, NM_001134408.2); short protein forms D1249N.
Identifiers: ClinVar variation 205697 (VCV000205697.2), dbSNP rs754286517, ClinGen allele CA315025.
Genomic context (GRCh38, chr16:9,763,799, plus strand): 5'-GCTGGTAGACCTGCTCCCCGGTGGCTGGGTTACCTGTCTCCTGAAGCATCTGGTCTTCAT[C>T]GATGTCATAGAGGTTCCCCATCCGCAGGCAGGCATCGCACTTGAAGGGGGACCTCATGGT-3'
Protein context (NP_001127879.1, residues 1239-1259): CLRMGNLYDI[Asp1249Asn]EDQMLQETGN

ClinVar aggregate classification (germline): Uncertain significance (1 of 4 stars; one submission).

Allele frequency attached by ClinVar (database versions not stated): ExAC 0.00001; gnomAD exomes below 0.00001.
gnomAD v4.1: 2 of 1,614,102 alleles (0.00012%); highest among the groups gnomAD compares: South Asian, 0.0011%; no homozygotes.

Submission:

GeneDx
Classification: Uncertain significance. Last evaluated: 2014-04-16. Review status: criteria provided, single submitter. Criteria: GeneDx Variant Classification (06012015). Collection method: clinical testing. Allele origin: germline. Affected: yes.
Comment: p.D1249N (GAT>AAT): c.3745 G>A in the GRIN2A gene (NM_000833.3). The D1249N variant has not been published as a mutation, nor has it been reported as a benign polymorphism to our knowledge. It was not observed in approximately 6,500 individuals of European and African American ancestry in the NHLBI Exome Sequencing Project, indicating it is not a common benign variant in these populations The D1249N variant is a semi-conservative amino acid substitution, which may impact secondary protein structure as these residues differ in some properties. This substitution occurs at a position that is conserved in mammals. A missense mutations in a nearby residue (D1251N) has been reported in association with atypical rolandic epilepsy, supporting the functional importance of this region of the protein. However, in silico analysis predicts the D1249N variant likely does not alter the protein structure/function. The variant is found in INFANT-EPI panel(s).